The following is an entry in ClinVar:

ClinVar aggregate classification (germline): Uncertain significance (1 of 4 stars; one submission).

Allele frequency attached by ClinVar (database versions not stated): gnomAD exomes below 0.00001.
gnomAD v4.1: 1 of 1,611,366 alleles (0.000062%); highest among the groups gnomAD compares: South Asian, 0.0011%; no homozygotes.

Submission:

Labcorp Genetics (formerly Invitae), Labcorp
Classification: Uncertain significance. Last evaluated: 2022-08-23. Review status: criteria provided, single submitter. Criteria: Invitae Variant Classification Sherloc (09022015). Collection method: clinical testing. Allele origin: germline.
Comment: In summary, the available evidence is currently insufficient to determine the role of this variant in disease. Therefore, it has been classified as a Variant of Uncertain Significance. Advanced modeling of protein sequence and biophysical properties (such as structural, functional, and spatial information, amino acid conservation, physicochemical variation, residue mobility, and thermodynamic stability) performed at Invitae indicates that this missense variant is not expected to disrupt LRP5 protein function. This sequence change replaces glycine, which is neutral and non-polar, with aspartic acid, which is acidic and polar, at codon 1468 of the LRP5 protein (p.Gly1468Asp). This variant is not present in population databases (gnomAD no frequency). This variant has not been reported in the literature in individuals affected with LRP5-related conditions. ClinVar contains an entry for this variant (Variation ID: 1479548).

NM_002335.4(LRP5):c.4403G>A (p.Gly1468Asp)

Gene: LRP5 (LDL receptor related protein 5; plus strand). Cytogenetic location: 11q13.2.
Variant type: single nucleotide variant.
Coding change: c.4403G>A on transcript NM_002335.4 (MANE Select); coding-DNA position 4403, G replaced by A.
Protein change: p.Gly1468Asp; replaces glycine 1468 with aspartic acid.
Molecular consequence: missense variant.
Genome position (GRCh38, 1-based): chr11:68,439,831, G>A. VCF-style: chr11-68439831-G-A. GRCh37 (hg19) VCF-style: chr11-68207299-G-A.
Other names: c.2660G>A, p.Gly887Asp (NM_001291902.2); short protein forms G887D, G1468D.
Identifiers: ClinVar variation 1479548 (VCV001479548.8), dbSNP rs1027978300, ClinGen allele CA224255678.